The following is an entry in ClinVar:

ClinVar aggregate classification (germline): Uncertain significance (1 of 4 stars; one submission).

Conditions:
Hereditary cancer-predisposing syndrome. Also called: Hereditary Cancer Syndrome; Hereditary neoplastic syndrome; Tumor predisposition; Neoplastic Syndromes, Hereditary. Identifiers: Orphanet 140162, MedGen C0027672, MeSH D009386, MONDO:0015356.

Submission:

Ambry Genetics
Classification: Uncertain significance for Hereditary cancer-predisposing syndrome. Last evaluated: 2022-08-28. Review status: criteria provided, single submitter. Criteria: Ambry Variant Classification Scheme 2023. Collection method: clinical testing. Allele origin: germline.
Comment: The p.P824R variant (also known as c.2471C>G), located in coding exon 21 of the TSC2 gene, results from a C to G substitution at nucleotide position 2471. The proline at codon 824 is replaced by arginine, an amino acid with dissimilar properties. This amino acid position is conserved. In addition, this alteration is predicted to be deleterious by in silico analysis. Since supporting evidence is limited at this time, the clinical significance of this alteration remains unclear.

NM_000548.5(TSC2):c.2471C>G (p.Pro824Arg)

Gene: TSC2 (TSC complex subunit 2; plus strand). Cytogenetic location: 16p13.3.
Variant type: single nucleotide variant.
Coding change: c.2471C>G on transcript NM_000548.5 (MANE Select); coding-DNA position 2471, C replaced by G.
Protein change: p.Pro824Arg; replaces proline 824 with arginine.
Molecular consequence: missense variant.
Genome position (GRCh38, 1-based): chr16:2,074,315, C>G. VCF-style: chr16-2074315-C-G. GRCh37 (hg19) VCF-style: chr16-2124316-C-G.
Other names: c.2471C>G, p.Pro824Arg (NM_001077183.3, NM_001114382.3, NM_001363528.2 and 6 more transcripts); c.2360C>G, p.Pro787Arg (NM_001318827.2, NM_001406670.1, NM_001406678.1); c.2324C>G, p.Pro775Arg (NM_001318829.2, NM_001406675.1, NM_001406676.1 and 1 more transcripts); c.1871C>G, p.Pro624Arg (NM_001318831.2, NM_001406680.1, NM_001406682.1 and 6 more transcripts); c.2504C>G, p.Pro835Arg (NM_001318832.2); c.2561C>G, p.Pro854Arg (NM_001406667.1, NM_001406668.1); c.2459C>G, p.Pro820Arg (NM_001406671.1, NM_001406673.1); c.2414C>G, p.Pro805Arg (NM_001406677.1); and 3 more; short protein forms P624R, P787R, P824R, P376R, P670R, P820R, P854R, P805R.
Identifiers: ClinVar variation 1791787 (VCV001791787.2), dbSNP rs940077353, ClinGen allele CA394277634.
Genomic context (GRCh38, chr16:2,074,315, plus strand): 5'-GCGTCGTGGCCTTGTCCATCTGCAGCGTGGAGATGCCTGACATCATCATCAAGGCGCTGC[C>G]TGTTCTGGTGGTGAAGCTCACGCACATCTCAGCCACAGCCAGCATGGCCGTCCCACTGCT-3'
Protein context (NP_000539.2, residues 814-834): EMPDIIIKAL[Pro824Arg]VLVVKLTHIS